The following is an entry in ClinVar:

ClinVar aggregate classification (germline): Likely pathogenic. Review status: criteria provided, multiple submitters, no conflicts (2 of 4 stars). 2 submissions from 2 submitters: Likely pathogenic (2). Last evaluated 2023-11-21.

Conditions:
3-methylcrotonyl-CoA carboxylase 1 deficiency (MCC1D). Also called: MCCD TYPE 1; METHYLCROTONYLGLYCINURIA TYPE I; MCC 1 deficiency; 3 Alpha methylcrotonylglycinuria 1. Identifiers: Orphanet 6, MedGen CN028786, MONDO:0008861, OMIM 210200.

Allele frequency attached by ClinVar (database versions not stated): gnomAD exomes below 0.00001 and 0.00001.
gnomAD v4.1: 4 of 1,613,794 alleles (0.00025%); highest among the groups gnomAD compares: African/African-American, 0.0013%; no homozygotes.

Submissions (2):

Baylor Genetics
Classification: Likely pathogenic for 3-methylcrotonyl-CoA carboxylase 1 deficiency. Last evaluated: 2023-11-21. Review status: criteria provided, single submitter. Criteria: ACMG Guidelines, 2015. Collection method: clinical testing. Allele origin: unknown.

Labcorp Genetics (formerly Invitae), Labcorp
Classification: Likely pathogenic for 3-methylcrotonyl-CoA carboxylase 1 deficiency. Last evaluated: 2021-11-30. Review status: criteria provided, single submitter. Criteria: Invitae Variant Classification Sherloc (09022015). Collection method: clinical testing. Allele origin: germline.
Comment: In summary, the currently available evidence indicates that the variant is pathogenic, but additional data are needed to prove that conclusively. Therefore, this variant has been classified as Likely Pathogenic. Algorithms developed to predict the effect of sequence changes on RNA splicing suggest that this variant may disrupt the consensus splice site. This variant has not been reported in the literature in individuals affected with MCCC1-related conditions. This variant is present in population databases (no rsID available, gnomAD 0.007%). This sequence change affects a donor splice site in intron 9 of the MCCC1 gene. It is expected to disrupt RNA splicing. Variants that disrupt the donor or acceptor splice site typically lead to a loss of protein function (PMID: 16199547), and loss-of-function variants in MCCC1 are known to be pathogenic (PMID: 11181649, 15359379, 22642865).

Literature cited by the submitters: PubMed 16199547 (cited by Labcorp Genetics (formerly Invitae), Labcorp); PubMed 11181649 (cited by Labcorp Genetics (formerly Invitae), Labcorp); PubMed 15359379 (cited by Labcorp Genetics (formerly Invitae), Labcorp); PubMed 22642865 (cited by Labcorp Genetics (formerly Invitae), Labcorp).

NM_020166.5(MCCC1):c.955+1G>A

Gene: MCCC1 (methylcrotonyl-CoA carboxylase subunit 1; minus strand). Cytogenetic location: 3q27.1.
Variant type: single nucleotide variant.
Coding change: c.955+1G>A on transcript NM_020166.5 (MANE Select); the canonical splice donor site of the intron after coding-DNA position 955, G replaced by A.
Molecular consequence: splice donor variant.
Genome position (GRCh38, 1-based): chr3:183,052,158, C>T on the plus strand (G>A on the coding strand, the complement: MCCC1 is on the minus strand). VCF-style: chr3-183052158-C-T. GRCh37 (hg19) VCF-style: chr3-182769946-C-T.
Other names: c.628+1G>A (NM_001363880.1); c.604+1G>A (NM_001293273.2).
Identifiers: ClinVar variation 1465815 (VCV001465815.7), dbSNP rs1340827377, ClinGen allele CA355326458.